The following is an entry in ClinVar:

NM_000747.3(CHRNB1):c.1189A>G (p.Ser397Gly)

Gene: CHRNB1 (cholinergic receptor nicotinic beta 1 subunit; plus strand). Cytogenetic location: 17p13.1.
Variant type: single nucleotide variant.
Coding change: c.1189A>G on transcript NM_000747.3 (MANE Select); coding-DNA position 1189, A replaced by G.
Protein change: p.Ser397Gly; replaces serine 397 with glycine.
Molecular consequence: missense variant.
Genome position (GRCh38, 1-based): chr17:7,455,428, A>G. VCF-style: chr17-7455428-A-G. GRCh37 (hg19) VCF-style: chr17-7358747-A-G.
Other names: short protein forms S397G.
Identifiers: ClinVar variation 3256874 (VCV003256874.1).

ClinVar aggregate classification (germline): Uncertain significance (1 of 4 stars; one submission).

Conditions:
Congenital myasthenic syndrome 2A. Also called: Myasthenic syndrome, congenital, 2a, slow-channel. Identifiers: Orphanet 590, MedGen C4225374, MONDO:0014581, OMIM 616313.

gnomAD v4.1: 1 of 1,614,156 alleles (0.000062%); no homozygotes.

Submission:

MVZ Medizinische Genetik Mainz
Classification: Uncertain significance for Congenital myasthenic syndrome 2A. Last evaluated: 2024-05-16. Review status: criteria provided, single submitter. Criteria: UK Practice Guidelines For Variant Classification V4 01 2020. Collection method: clinical testing. Allele origin: germline. Inheritance: Autosomal dominant inheritance. Affected: yes. Observed: 1 variant allele.
Comment: ACMG Criteria: PM2_SUP,PP3